The following is an entry in ClinVar:

ClinVar aggregate classification (germline): Uncertain significance (0 of 4 stars; one submission).

Conditions:
LPL-related disorder. Also called: LPL-related condition.

gnomAD v4.1: 3 of 1,614,090 alleles (0.00019%); highest among the groups gnomAD compares: Non-Finnish European, 0.00025%; no homozygotes.

Submission:

PreventionGenetics, part of Exact Sciences
Classification: Uncertain significance for LPL-related condition. Last evaluated: 2024-06-04. Review status: no assertion criteria provided. Collection method: clinical testing. Allele origin: germline.
Comment: The LPL c.278C>T variant is predicted to result in the amino acid substitution p.Pro93Leu. To our knowledge, this variant has not been reported in the literature or in a large population database, indicating this variant is rare. At this time, the clinical significance of this variant is uncertain due to the absence of conclusive functional and genetic evidence.

NM_000237.3(LPL):c.278C>T (p.Pro93Leu)

Gene: LPL (lipoprotein lipase; plus strand). Cytogenetic location: 8p21.3.
Variant type: single nucleotide variant.
Coding change: c.278C>T on transcript NM_000237.3 (MANE Select); coding-DNA position 278, C replaced by T.
Protein change: p.Pro93Leu; replaces proline 93 with leucine.
Molecular consequence: missense variant.
Genome position (GRCh38, 1-based): chr8:19,951,797, C>T. VCF-style: chr8-19951797-C-T. GRCh37 (hg19) VCF-style: chr8-19809308-C-T.
Other names: short protein forms P93L.
Identifiers: ClinVar variation 3344811 (VCV003344811.1).